The following is an entry in ClinVar:

ClinVar aggregate classification (germline): Likely pathogenic (1 of 4 stars; one submission).

Conditions:
Charcot-Marie-Tooth disease type 4. Also called: Charcot-Marie-Tooth, Type 4; Charcot-Marie-Tooth disease, type IV. Identifiers: Orphanet 64749, MedGen C4082197, MONDO:0018995.

Submission:

Labcorp Genetics (formerly Invitae), Labcorp
Classification: Likely pathogenic for Charcot-Marie-Tooth disease type 4. Last evaluated: 2022-12-28. Review status: criteria provided, single submitter. Criteria: Invitae Variant Classification Sherloc (09022015). Collection method: clinical testing. Allele origin: germline.
Comment: This sequence change affects an acceptor splice site in intron 35 of the SBF2 gene. It is expected to disrupt RNA splicing. Variants that disrupt the donor or acceptor splice site typically lead to a loss of protein function (PMID: 16199547), and loss-of-function variants in SBF2 are known to be pathogenic (PMID: 12687498, 25873783). In summary, the currently available evidence indicates that the variant is pathogenic, but additional data are needed to prove that conclusively. Therefore, this variant has been classified as Likely Pathogenic. Algorithms developed to predict the effect of sequence changes on RNA splicing suggest that this variant may disrupt the consensus splice site. This variant has not been reported in the literature in individuals affected with SBF2-related conditions. This variant is not present in population databases (gnomAD no frequency).

Literature cited by the submitters: PubMed 16199547; PubMed 12687498; PubMed 25873783.

NM_030962.4(SBF2):c.4933-1G>A

Genes: SBF2 (SET binding factor 2; minus strand), SBF2-AS1 (SBF2 antisense RNA 1; plus strand), LOC105369149 (uncharacterized LOC105369149; plus strand). Cytogenetic location: 11p15.4.
Variant type: single nucleotide variant.
Coding change: c.4933-1G>A on transcript NM_030962.4 (MANE Select); the canonical splice acceptor site of the intron before coding-DNA position 4933, G replaced by A.
Molecular consequence: splice acceptor variant.
Genome position (GRCh38, 1-based): chr11:9,787,739, C>T on the plus strand (G>A on the coding strand, the complement: SBF2 is on the minus strand). VCF-style: chr11-9787739-C-T. GRCh37 (hg19) VCF-style: chr11-9809286-C-T.
Other names: c.4969-1G>A (NM_001424318.1); c.4804-1G>A (NM_001386342.1); c.5029-1G>A (NM_001386339.1).
Identifiers: ClinVar variation 2814365 (VCV002814365.3), dbSNP rs2494503596, ClinGen allele CA379633208.